The following is an entry in ClinVar:

NM_000138.5(FBN1):c.2349T>A (p.Asn783Lys)

Gene: FBN1 (fibrillin 1; minus strand). Cytogenetic location: 15q21.1.
Variant type: single nucleotide variant.
Coding change: c.2349T>A on transcript NM_000138.5 (MANE Select); coding-DNA position 2349, T replaced by A.
Protein change: p.Asn783Lys; replaces asparagine 783 with lysine.
Molecular consequence: missense variant.
Genome position (GRCh38, 1-based): chr15:48,496,170, A>T on the plus strand (T>A on the coding strand, the complement: FBN1 is on the minus strand). VCF-style: chr15-48496170-A-T. GRCh37 (hg19) VCF-style: chr15-48788367-A-T.
Other names: short protein forms N783K.
Identifiers: ClinVar variation 1308437 (VCV001308437.10), dbSNP rs1057522903, ClinGen allele CA392335439.

ClinVar aggregate classification (germline): Uncertain significance. Review status: criteria provided, multiple submitters, no conflicts (2 of 4 stars). 3 submissions from 3 submitters: Uncertain significance (3). Last evaluated 2024-05-13.

Conditions:
Marfan syndrome (MFS). Also called: Marfan syndrome type 1; Marfan's syndrome; FBN1-Related Marfan Syndrome; MARFAN SYNDROME, TYPE I; Marfan syndrome, classic. Identifiers: Orphanet 284963, Orphanet 558, MedGen C0024796, MONDO:0007947, OMIM 154700.
Familial thoracic aortic aneurysm and aortic dissection (TAAD). Also called: Thoracic aortic aneurysms and dissections. Identifiers: Orphanet 91387, MedGen C4707243, MONDO:0019625.

Submissions (3):

Women's Health and Genetics/Laboratory Corporation of America, LabCorp
Classification: Uncertain significance. Last evaluated: 2024-05-13. Review status: criteria provided, single submitter. Criteria: LabCorp Variant Classification Summary - May 2015. Collection method: clinical testing. Allele origin: germline.
Comment: Variant summary: FBN1 c.2349T>A (p.Asn783Lys) results in a non-conservative amino acid change located in the EGF-like domain (IPR000742) of the encoded protein sequence. Five of five in-silico tools predict a damaging effect of the variant on protein function. The variant was absent in 251350 control chromosomes. The available data on variant occurrences in the general population are insufficient to allow any conclusion about variant significance. To our knowledge, no occurrence of c.2349T>A in individuals affected with Marfan Syndrome and no experimental evidence demonstrating its impact on protein function have been reported. ClinVar contains an entry for this variant (Variation ID: 1308437). Based on the evidence outlined above, the variant was classified as uncertain significance.

Labcorp Genetics (formerly Invitae), Labcorp
Classification: Uncertain significance for Marfan syndrome; Familial thoracic aortic aneurysm and aortic dissection. Last evaluated: 2021-03-25. Review status: criteria provided, single submitter. Criteria: Invitae Variant Classification Sherloc (09022015). Collection method: clinical testing. Allele origin: germline.
Comment: This sequence change replaces asparagine with lysine at codon 783 of the FBN1 protein (p.Asn783Lys). The asparagine residue is highly conserved and there is a moderate physicochemical difference between asparagine and lysine. This variant is not present in population databases (ExAC no frequency). This variant has not been reported in the literature in individuals with FBN1-related conditions. Advanced modeling of protein sequence and biophysical properties (such as structural, functional, and spatial information, amino acid conservation, physicochemical variation, residue mobility, and thermodynamic stability) performed at Invitae indicates that this missense variant is expected to disrupt FBN1 protein function. In summary, the available evidence is currently insufficient to determine the role of this variant in disease. Therefore, it has been classified as a Variant of Uncertain Significance.

GeneDx
Classification: Uncertain significance. Last evaluated: 2019-04-01. Review status: criteria provided, single submitter. Criteria: GeneDx Variant Classification Process June 2021. Collection method: clinical testing. Allele origin: germline. Affected: yes.
Comment: Not observed in large population cohorts (Lek et al., 2016); In silico analysis, which includes protein predictors and evolutionary conservation, supports a deleterious effect; Has not been previously published as pathogenic or benign to our knowledge